The following is an entry in ClinVar:

NM_006348.5(COG5):c.2069G>T (p.Arg690Leu)

Gene: COG5 (component of oligomeric golgi complex 5; minus strand). Cytogenetic location: 7q22.3.
Variant type: single nucleotide variant.
Coding change: c.2069G>T on transcript NM_006348.5 (MANE Select); coding-DNA position 2069, G replaced by T.
Protein change: p.Arg690Leu; replaces arginine 690 with leucine.
Molecular consequence: missense variant. On other transcripts: intron variant (1).
Genome position (GRCh38, 1-based): chr7:107,236,472, C>A on the plus strand (G>T on the coding strand, the complement: COG5 is on the minus strand). VCF-style: chr7-107236472-C-A. GRCh37 (hg19) VCF-style: chr7-106876917-C-A.
Other names: c.2069G>T, p.Arg690Leu (NM_001161520.2, NM_001379513.1); c.1907G>T, p.Arg636Leu (NM_001379511.1); c.1895G>T, p.Arg632Leu (NM_001379512.1); c.1499G>T, p.Arg500Leu (NM_001379515.1); c.1355G>T, p.Arg452Leu (NM_001379516.1); c.2006G>T, p.Arg669Leu (NM_181733.4); c.1853+11924G>T (NM_001379514.1); short protein forms R636L, R452L, R632L, R669L, R690L, R500L.
Identifiers: ClinVar variation 5007130 (VCV005007130.2).

ClinVar aggregate classification (germline): Uncertain significance (1 of 4 stars; one submission).

Conditions:
COG5-congenital disorder of glycosylation. Also called: COG5-CDG; CDG IIi; CONGENITAL DISORDER OF GLYCOSYLATION, TYPE IIi. Identifiers: Orphanet 263487, MedGen C3150876, MONDO:0013325, OMIM 613612.

Submission:

Juno Genomics, Hangzhou Juno Genomics, Inc
Classification: Uncertain significance for COG5-congenital disorder of glycosylation. Review status: criteria provided, single submitter. Criteria: ACMG Guidelines, 2015. Collection method: clinical testing. Allele origin: germline.
Comment: Absent from controls (or at extremely low frequency if recessive) in Genome Aggregation Database.;Multiple lines of computational evidence support a deleterious effect on the gene or gene product.